The following is an entry in ClinVar:

ClinVar aggregate classification (germline): Uncertain significance (1 of 4 stars; one submission).

gnomAD v4.1: 2 of 1,613,122 alleles (0.00012%); highest among the groups gnomAD compares: Non-Finnish European, 0.00017%; no homozygotes.

Submission:

Labcorp Genetics (formerly Invitae), Labcorp
Classification: Uncertain significance. Last evaluated: 2025-04-20. Review status: criteria provided, single submitter. Criteria: Invitae Variant Classification Sherloc (09022015). Collection method: clinical testing. Allele origin: germline.
Comment: This sequence change replaces alanine, which is neutral and non-polar, with valine, which is neutral and non-polar, at codon 373 of the DNA2 protein (p.Ala373Val). This variant is not present in population databases (gnomAD no frequency). This variant has not been reported in the literature in individuals affected with DNA2-related conditions. An algorithm developed to predict the effect of missense changes on protein structure and function outputs the following: PolyPhen-2: "Not Available". The valine amino acid residue is found in multiple mammalian species, which suggests that this missense change does not adversely affect protein function. Algorithms developed to predict the effect of sequence changes on RNA splicing suggest that this variant may disrupt the consensus splice site. In summary, the available evidence is currently insufficient to determine the role of this variant in disease. Therefore, it has been classified as a Variant of Uncertain Significance.

NM_001080449.3(DNA2):c.1118C>T (p.Ala373Val)

Gene: DNA2 (DNA replication helicase/nuclease 2; minus strand). Cytogenetic location: 10q21.3.
Variant type: single nucleotide variant.
Coding change: c.1118C>T on transcript NM_001080449.3 (MANE Select); coding-DNA position 1118, C replaced by T.
Protein change: p.Ala373Val; replaces alanine 373 with valine.
Molecular consequence: missense variant. On other transcripts: non-coding transcript variant (1).
Genome position (GRCh38, 1-based): chr10:68,445,023, G>A on the plus strand (C>T on the coding strand, the complement: DNA2 is on the minus strand). VCF-style: chr10-68445023-G-A. GRCh37 (hg19) VCF-style: chr10-70204780-G-A.
Other names: short protein forms A373V.
Identifiers: ClinVar variation 4717995 (VCV004717995.1).